The following is an entry in ClinVar:

ClinVar aggregate classification (germline): Uncertain significance (1 of 4 stars; one submission).

Conditions:
Brugada syndrome 8 (BRGDA8). Identifiers: Orphanet 130, MedGen C2751083, MONDO:0013148, OMIM 613123.

Submission:

Labcorp Genetics (formerly Invitae), Labcorp
Classification: Uncertain significance for Brugada syndrome 8. Last evaluated: 2022-04-04. Review status: criteria provided, single submitter. Criteria: Invitae Variant Classification Sherloc (09022015). Collection method: clinical testing. Allele origin: germline.
Comment: In summary, the available evidence is currently insufficient to determine the role of this variant in disease. Therefore, it has been classified as a Variant of Uncertain Significance. Advanced modeling of protein sequence and biophysical properties (such as structural, functional, and spatial information, amino acid conservation, physicochemical variation, residue mobility, and thermodynamic stability) performed at Invitae indicates that this missense variant is not expected to disrupt HCN4 protein function. This sequence change replaces glutamine, which is neutral and polar, with leucine, which is neutral and non-polar, at codon 181 of the HCN4 protein (p.Gln181Leu). This variant is not present in population databases (gnomAD no frequency). This variant has not been reported in the literature in individuals affected with HCN4-related conditions.

NM_005477.3(HCN4):c.542A>T (p.Gln181Leu)

Gene: HCN4 (hyperpolarization activated cyclic nucleotide gated potassium channel 4; minus strand). Cytogenetic location: 15q24.1.
Variant type: single nucleotide variant.
Coding change: c.542A>T on transcript NM_005477.3 (MANE Select); coding-DNA position 542, A replaced by T.
Protein change: p.Gln181Leu; replaces glutamine 181 with leucine.
Molecular consequence: missense variant.
Genome position (GRCh38, 1-based): chr15:73,367,729, T>A on the plus strand (A>T on the coding strand, the complement: HCN4 is on the minus strand). VCF-style: chr15-73367729-T-A. GRCh37 (hg19) VCF-style: chr15-73660070-T-A.
Other names: short protein forms Q181L.
Identifiers: ClinVar variation 2115532 (VCV002115532.4), dbSNP rs2043135390, ClinGen allele CA393097693.